The following is an entry in ClinVar:

ClinVar aggregate classification (germline): Uncertain significance (1 of 4 stars; one submission).

Conditions:
Cardiovascular phenotype. Identifiers: MedGen CN230736.

Submission:

Ambry Genetics
Classification: Uncertain significance for Cardiovascular phenotype. Last evaluated: 2022-10-27. Review status: criteria provided, single submitter. Criteria: Ambry Variant Classification Scheme 2023. Collection method: clinical testing. Allele origin: germline.
Comment: The p.Q1835K variant (also known as c.5503C>A), located in coding exon 33 of the FLNC gene, results from a C to A substitution at nucleotide position 5503. The glutamine at codon 1835 is replaced by lysine, an amino acid with similar properties. This amino acid position is conserved. In addition, this alteration is predicted to be tolerated by in silico analysis. Since supporting evidence is limited at this time, the clinical significance of this alteration remains unclear.

NM_001458.5(FLNC):c.5503C>A (p.Gln1835Lys)

Genes: FLNC (filamin C; plus strand), FLNC-AS1 (FLNC antisense RNA 1; minus strand). Cytogenetic location: 7q32.1.
Variant type: single nucleotide variant.
Coding change: c.5503C>A on transcript NM_001458.5 (MANE Select); coding-DNA position 5503, C replaced by A.
Protein change: p.Gln1835Lys; replaces glutamine 1835 with lysine.
Molecular consequence: missense variant.
Genome position (GRCh38, 1-based): chr7:128,850,907, C>A. VCF-style: chr7-128850907-C-A. GRCh37 (hg19) VCF-style: chr7-128490961-C-A.
Other names: c.5404C>A, p.Gln1802Lys (NM_001127487.2); short protein forms Q1802K, Q1835K.
Identifiers: ClinVar variation 1747989 (VCV001747989.2), dbSNP rs2536654806, ClinGen allele CA369206920.
Genomic context (GRCh38, chr7:128,850,907, plus strand): 5'-ACCGACAACAAGGACGGCACCATCACGGTGAGGTATGCACCCACTGAGAAAGGCCTGCAC[C>A]AGATGGGGATCAAGTATGACGGCAACCACATCCCTGGTGAGTTAGGGGCTGGGCTGGGCT-3'
Protein context (NP_001449.3, residues 1825-1845): RYAPTEKGLH[Gln1835Lys]MGIKYDGNHI